The following is an entry in ClinVar:

NM_001042681.2(RERE):c.4624C>A (p.His1542Asn)

Gene: RERE (arginine-glutamic acid dipeptide repeats; minus strand). Cytogenetic location: 1p36.23.
Variant type: single nucleotide variant.
Coding change: c.4624C>A on transcript NM_001042681.2 (MANE Select); coding-DNA position 4624, C replaced by A.
Protein change: p.His1542Asn; replaces histidine 1542 with asparagine.
Molecular consequence: missense variant.
Genome position (GRCh38, 1-based): chr1:8,355,462, G>T on the plus strand (C>A on the coding strand, the complement: RERE is on the minus strand). VCF-style: chr1-8355462-G-T. GRCh37 (hg19) VCF-style: chr1-8415522-G-T.
Other names: c.2962C>A, p.His988Asn (NM_001042682.2); c.4624C>A, p.His1542Asn (NM_012102.4); short protein forms H1542N, H988N.
Identifiers: ClinVar variation 2706156 (VCV002706156.3), dbSNP rs1641252170, ClinGen allele CA338168075.

ClinVar aggregate classification (germline): Uncertain significance (1 of 4 stars; one submission).

Submission:

Labcorp Genetics (formerly Invitae), Labcorp
Classification: Uncertain significance. Last evaluated: 2025-04-08. Review status: criteria provided, single submitter. Criteria: Invitae Variant Classification Sherloc (09022015). Collection method: clinical testing. Allele origin: germline.
Comment: This sequence change replaces histidine, which is basic and polar, with asparagine, which is neutral and polar, at codon 1542 of the RERE protein (p.His1542Asn). This variant is not present in population databases (gnomAD no frequency). This variant has not been reported in the literature in individuals affected with RERE-related conditions. ClinVar contains an entry for this variant (Variation ID: 2706156). Invitae Evidence Modeling of protein sequence and biophysical properties (such as structural, functional, and spatial information, amino acid conservation, physicochemical variation, residue mobility, and thermodynamic stability) has been performed for this missense variant. However, the output from this modeling did not meet the statistical confidence thresholds required to predict the impact of this variant on RERE protein function. In summary, the available evidence is currently insufficient to determine the role of this variant in disease. Therefore, it has been classified as a Variant of Uncertain Significance.